The following is an entry in ClinVar:

NM_018139.3(DNAAF2):c.1825A>G (p.Arg609Gly)

Gene: DNAAF2 (dynein axonemal assembly factor 2; minus strand). Cytogenetic location: 14q21.3.
Variant type: single nucleotide variant.
Coding change: c.1825A>G on transcript NM_018139.3 (MANE Select); coding-DNA position 1825, A replaced by G.
Protein change: p.Arg609Gly; replaces arginine 609 with glycine.
Molecular consequence: missense variant. On other transcripts: intron variant (1).
Genome position (GRCh38, 1-based): chr14:49,633,325, T>C on the plus strand (A>G on the coding strand, the complement: DNAAF2 is on the minus strand). VCF-style: chr14-49633325-T-C. GRCh37 (hg19) VCF-style: chr14-50100043-T-C.
Other names: c.1825A>G, p.Arg609Gly (NM_001083908.2); c.-205+158A>G (NM_001378453.1); short protein forms R609G.
Identifiers: ClinVar variation 880867 (VCV000880867.12), dbSNP rs768172147, ClinGen allele CA7172821.

ClinVar aggregate classification (germline): Uncertain significance. Review status: criteria provided, multiple submitters, no conflicts (2 of 4 stars). 3 submissions from 3 submitters: Uncertain significance (3). Last evaluated 2024-03-19.

Conditions:
Primary ciliary dyskinesia 10. Also called: CILIARY DYSKINESIA, PRIMARY, 10, WITH OR WITHOUT SITUS INVERSUS. Identifiers: Orphanet 244, MedGen C2675867, MONDO:0012918, OMIM 612518.
Primary ciliary dyskinesia. Also called: Ciliary dyskinesia. Identifiers: Orphanet 244, MedGen C0008780, MONDO:0016575, HP:0012265.

Allele frequency attached by ClinVar (database versions not stated): ExAC 0.00001; gnomAD 0.00001; gnomAD exomes 0.00001; TOPMed 0.00001.

Submissions (3):

Ambry Genetics
Classification: Uncertain significance for Primary ciliary dyskinesia. Last evaluated: 2024-03-19. Review status: criteria provided, single submitter. Criteria: Ambry Variant Classification Scheme 2023. Collection method: clinical testing. Allele origin: germline.
Comment: The p.R609G variant (also known as c.1825A>G), located in coding exon 1 of the DNAAF2 gene, results from an A to G substitution at nucleotide position 1825. The arginine at codon 609 is replaced by glycine, an amino acid with dissimilar properties. This amino acid position is conserved. In addition, this alteration is predicted to be tolerated by in silico analysis. Since supporting evidence is limited at this time, the clinical significance of this alteration remains unclear.

Labcorp Genetics (formerly Invitae), Labcorp
Classification: Uncertain significance for Primary ciliary dyskinesia. Last evaluated: 2021-09-01. Review status: criteria provided, single submitter. Criteria: Invitae Variant Classification Sherloc (09022015). Collection method: clinical testing. Allele origin: germline.
Comment: This sequence change replaces arginine with glycine at codon 609 of the DNAAF2 protein (p.Arg609Gly). The arginine residue is moderately conserved and there is a moderate physicochemical difference between arginine and glycine. This variant is present in population databases (rs768172147, ExAC 0.001%). This variant has not been reported in the literature in individuals affected with DNAAF2-related conditions. ClinVar contains an entry for this variant (Variation ID: 880867). Algorithms developed to predict the effect of missense changes on protein structure and function (SIFT, PolyPhen-2, Align-GVGD) all suggest that this variant is likely to be tolerated. In summary, the available evidence is currently insufficient to determine the role of this variant in disease. Therefore, it has been classified as a Variant of Uncertain Significance.

Illumina Laboratory Services, Illumina
Classification: Uncertain significance for Primary ciliary dyskinesia 10. Last evaluated: 2018-01-13. Review status: criteria provided, single submitter. Criteria: ICSL Variant Classification Criteria 13 December 2019. Collection method: clinical testing. Allele origin: germline.